The following is an entry in ClinVar:

NM_000127.3(EXT1):c.188G>T (p.Arg63Leu)

Gene: EXT1 (exostosin glycosyltransferase 1; minus strand). Cytogenetic location: 8q24.11.
Variant type: single nucleotide variant.
Coding change: c.188G>T on transcript NM_000127.3 (MANE Select); coding-DNA position 188, G replaced by T.
Protein change: p.Arg63Leu; replaces arginine 63 with leucine.
Molecular consequence: missense variant.
Genome position (GRCh38, 1-based): chr8:118,110,859, C>A on the plus strand (G>T on the coding strand, the complement: EXT1 is on the minus strand). VCF-style: chr8-118110859-C-A. GRCh37 (hg19) VCF-style: chr8-119123098-C-A.
Other names: c.188G>T (NM_000127.2); short protein forms R63L.
Identifiers: ClinVar variation 1035065 (VCV001035065.8), dbSNP rs187891947, ClinGen allele CA4854401.

ClinVar aggregate classification (germline): Uncertain significance. Review status: criteria provided, multiple submitters, no conflicts (2 of 4 stars). 2 submissions from 2 submitters: Uncertain significance (2). Last evaluated 2024-02-05.

Conditions:
Multiple congenital exostosis (EXT). Also called: Hereditary multiple exostoses; Hereditary multiple exostosis; Multiple osteochondromas; MULTIPLE CARTILAGINOUS EXOSTOSES; Hereditary multiple osteochondromas; Multiple exostoses. Identifiers: Orphanet 321, MedGen C0015306, MONDO:0005508, HP:0002762.
Inborn genetic diseases. Identifiers: MedGen C0950123, MeSH D030342.

Allele frequency attached by ClinVar (database versions not stated): gnomAD 0.00001; TOPMed 0.00001; 1000 Genomes Project 30x 0.00016; 1000 Genomes Project 0.00020.
gnomAD v4.1: 5 of 1,613,062 alleles (0.00031%); highest among the groups gnomAD compares: East Asian, 0.011%; no homozygotes.

Submissions (2):

Ambry Genetics
Classification: Uncertain significance for Inborn genetic diseases. Last evaluated: 2024-02-05. Review status: criteria provided, single submitter. Criteria: Ambry Variant Classification Scheme 2023. Collection method: clinical testing. Allele origin: germline.

Labcorp Genetics (formerly Invitae), Labcorp
Classification: Uncertain significance for Multiple congenital exostosis. Last evaluated: 2021-10-03. Review status: criteria provided, single submitter. Criteria: Invitae Variant Classification Sherloc (09022015). Collection method: clinical testing. Allele origin: germline.
Comment: This variant is present in population databases (rs187891947, ExAC 0.01%). In summary, the available evidence is currently insufficient to determine the role of this variant in disease. Therefore, it has been classified as a Variant of Uncertain Significance. Algorithms developed to predict the effect of missense changes on protein structure and function (SIFT, PolyPhen-2, Align-GVGD) all suggest that this variant is likely to be tolerated. This variant has not been reported in the literature in individuals affected with EXT1-related conditions. This sequence change replaces arginine with leucine at codon 63 of the EXT1 protein (p.Arg63Leu). The arginine residue is weakly conserved and there is a moderate physicochemical difference between arginine and leucine.